The following is an entry in ClinVar:

ClinVar aggregate classification (germline): Uncertain significance (1 of 4 stars; one submission).

Conditions:
Myopathy, proximal, and ophthalmoplegia (CMYO6). Also called: MYOPATHY WITH CONGENITAL JOINT CONTRACTURES, OPHTHALMOPLEGIA, AND RIMMED VACUOLES; INCLUSION BODY MYOPATHY 3, AUTOSOMAL DOMINANT; CONGENITAL MYOPATHY 6 WITH OPHTHALMOPLEGIA. Identifiers: Orphanet 363677, Orphanet 79091, MedGen C1854106, MONDO:0011577, OMIM 605637.

Submission:

Labcorp Genetics (formerly Invitae), Labcorp
Classification: Uncertain significance for Myopathy, proximal, and ophthalmoplegia. Last evaluated: 2021-02-11. Review status: criteria provided, single submitter. Criteria: Invitae Variant Classification Sherloc (09022015). Collection method: clinical testing. Allele origin: germline.
Comment: In summary, the available evidence is currently insufficient to determine the role of this variant in disease. Therefore, it has been classified as a Variant of Uncertain Significance. Algorithms developed to predict the effect of missense changes on protein structure and function are either unavailable or do not agree on the potential impact of this missense change (SIFT: "Deleterious"; PolyPhen-2: "Benign"; Align-GVGD: "Class C0"). This variant has not been reported in the literature in individuals with MYH2-related conditions. This variant is not present in population databases (ExAC no frequency). This sequence change replaces alanine with glycine at codon 1196 of the MYH2 protein (p.Ala1196Gly). The alanine residue is highly conserved and there is a small physicochemical difference between alanine and glycine.

NM_017534.6(MYH2):c.3587C>G (p.Ala1196Gly)

Genes: MYH2 (myosin heavy chain 2; minus strand), MYHAS (myosin heavy chain gene cluster antisense RNA; plus strand). Cytogenetic location: 17p13.1.
Variant type: single nucleotide variant.
Coding change: c.3587C>G on transcript NM_017534.6 (MANE Select); coding-DNA position 3587, C replaced by G.
Protein change: p.Ala1196Gly; replaces alanine 1196 with glycine.
Molecular consequence: missense variant.
Genome position (GRCh38, 1-based): chr17:10,528,847, G>C on the plus strand (C>G on the coding strand, the complement: MYH2 is on the minus strand). VCF-style: chr17-10528847-G-C. GRCh37 (hg19) VCF-style: chr17-10432164-G-C.
Other names: c.3587C>G, p.Ala1196Gly (NM_001100112.2); short protein forms A1196G.
Identifiers: ClinVar variation 1508673 (VCV001508673.8), dbSNP rs2142298788, ClinGen allele CA398133057.